The following continues an entry in ClinVar:

NM_000152.5(GAA):c.761C>T (p.Ser254Leu)

Gene: GAA. ClinVar aggregate classification (germline): Conflicting classifications of pathogenicity. Pathogenic (3); Likely pathogenic (6); Uncertain significance (5).

Submissions 12 to 16 of 16:

Baylor Genetics
Classification: Uncertain significance for Glycogen storage disease, type II. Last evaluated: 2018-01-24. Review status: criteria provided, single submitter. Criteria: ACMG Guidelines, 2015. Collection method: clinical testing. Allele origin: unknown. Affected: yes.
Comment: This variant was determined to be of uncertain significance according to ACMG Guidelines, 2015 [PMID:25741868].

Illumina Laboratory Services, Illumina
Classification: Likely pathogenic for Glycogen Storage Disease, Type II. Last evaluated: 2016-06-14. Review status: criteria provided, single submitter. Criteria: ICSL Variant Classification 20161018. Collection method: clinical testing. Allele origin: germline.

Juno Genomics, Hangzhou Juno Genomics, Inc
Classification: Likely pathogenic for Glycogen storage disease, type II; Glycogen storage disease due to acid maltase deficiency, late-onset. Review status: criteria provided, single submitter. Criteria: ACMG Guidelines, 2015. Collection method: clinical testing. Allele origin: germline.
Comment: For recessive disorders, detected in trans with a pathogenic variant.;Well-established in vitro or in vivo functional studies supportive of a damaging effect on the gene or gene product.

PreventionGenetics, part of Exact Sciences
Classification: Uncertain significance for GAA-related condition. Last evaluated: 2024-06-14. Review status: no assertion criteria provided. Collection method: clinical testing. Allele origin: germline. Not counted in ClinVar's aggregate classification.
Comment: The GAA c.761C>T variant is predicted to result in the amino acid substitution p.Ser254Leu. This variant has been reported in individuals with glycogen storage disease 2, also called Pompe Disease (Tang et al. 2020. PubMed ID: 33073007; Fukuhara et al. 2017. PubMed ID: 29124014; Peng et al. 2016. PubMed ID: 27183828; Lee et al. 2019. PubMed ID: 31637888). This variant is reported in 0.28% of alleles in individuals of East Asian descent in gnomAD. The c.761C>T variant frequently occurs in cis with the c.752C>T (p.Ser251Leu) variant, and is known as the c.[752C>T;761C>T] haplotype. This haplotype has been reported in the homozygous or compound heterozygous state in multiple individuals with Pompe disease (Fukuhara et al. 2017. PubMed ID: 29124014; Peng et al. 2016. PubMed ID: 27183828). Of note, the c.[752C>T; 761C>T] (p.[Ser251Leu; Ser254Leu]) haplotype has been reported to be in cis with the c.1411_1414delGAGA variant (Labrousse et al. 2009. PubMed ID: 20080426; Chien et al. 2014. PubMed ID: 25466677; Mori et al. 2017. PubMed ID: 29122469). The c.[752C>T;761C>T] haplotype has been reported to significantly reduce GAA enzyme activity to 1.7-3.3% of wild-type activity (Kroos M et al 2012. PubMed ID: 22644586). ClinVar classifications for the c.761C>T variant range from uncertain, to likely pathogenic, to pathogenic, while one lab has classified the c.[752C>T;761C>T] haplotype as pathogenic. Although we suspect that this variant may be pathogenic, at this time the clinical significance of this variant is uncertain.

Counsyl
Classification: Likely pathogenic for Glycogen storage disease, type II. Last evaluated: 2019-06-11. Review status: no assertion criteria provided. Collection method: clinical testing. Allele origin: unknown. Not counted in ClinVar's aggregate classification.

Literature cited by the submitters: PubMed 25466677 (cited by 4 submitters); PubMed 40952111 (cited by Genomenon, Inc); PubMed 36137614 (cited by Genomenon, Inc); PubMed 32802993 (cited by Genomenon, Inc and Mayo Clinic Laboratories, Mayo Clinic); PubMed 32014045 (cited by Genomenon, Inc and Mayo Clinic Laboratories, Mayo Clinic); PubMed 29122469 (cited by Genomenon, Inc and Counsyl); PubMed 34995642 (cited by 3 submitters); PubMed 22644586 (cited by 6 submitters); PubMed 20080426 (cited by 4 submitters); PubMed 24513544 (cited by 6 submitters); PubMed 21232767 (cited by 5 submitters); PubMed 31228295 (cited by Women's Health and Genetics/Laboratory Corporation of America, LabCorp); PubMed 38186848 (cited by Women's Health and Genetics/Laboratory Corporation of America, LabCorp); PubMed 18458862 (cited by 3 submitters); PubMed 27183828 (cited by 4 submitters); PubMed 29124014 (cited by 4 submitters); PubMed 29451150 (cited by Mayo Clinic Laboratories, Mayo Clinic); PubMed 31392193 (cited by Mayo Clinic Laboratories, Mayo Clinic); PubMed 31637888 (cited by 3 submitters); PubMed 32373469 (cited by Mayo Clinic Laboratories, Mayo Clinic); PubMed 33073007 (cited by Mayo Clinic Laboratories, Mayo Clinic); PubMed 31980526 (cited by AiLife Diagnostics); PubMed 28450385 (cited by Counsyl); PubMed 28196920 (cited by Counsyl); PubMed 31076647 (cited by Counsyl).